The following is an entry in ClinVar:

ClinVar aggregate classification (germline): Uncertain significance (1 of 4 stars; one submission).

Submission:

GeneDx
Classification: Uncertain significance. Last evaluated: 2024-02-22. Review status: criteria provided, single submitter. Criteria: GeneDx Variant Classification Process June 2021. Collection method: clinical testing. Allele origin: germline. Affected: yes.
Comment: In-frame deletion of 3 amino acids in a non-repeat region; Not observed at significant frequency in large population cohorts (gnomAD); In silico analysis supports that this variant does not alter protein structure/function; Has not been previously published as pathogenic or benign to our knowledge

NM_001009944.3(PKD1):c.2719_2727del (p.His907_Val909del)

Gene: PKD1 (polycystin 1, transient receptor potential channel interacting; minus strand). Cytogenetic location: 16p13.3.
Variant type: Deletion.
Coding change: c.2719_2727del on transcript NM_001009944.3 (MANE Select); coding-DNA positions 2719 to 2727, 9 bases deleted (CACGTGGTG; older notation c.2719_2727delCACGTGGTG).
Protein change: p.His907_Val909del.
Molecular consequence: inframe deletion. On other transcripts: inframe indel (1).
Genome position (GRCh38, 1-based): chr16:2,114,296-2,114,304, CACCACGTG deleted on the plus strand (CACGTGGTG on the coding strand, the reverse complement: PKD1 is on the minus strand); deleting any 9 consecutive bases within chr16:2,114,296-2,114,305 gives the same sequence; the c. name uses the placement nearest the transcript's 3' end. VCF-style (leftmost placement, unchanged base first): chr16-2114295-CCACCACGTG-C. GRCh37 (hg19) VCF-style: chr16-2164296-CCACCACGTG-C.
Other names: c.2719_2727del, p.His907_Val909del (NM_000296.4); c.2718_2726delGCACGTGGT, p.His907_Val909del (NM_001009944.2).
Identifiers: ClinVar variation 3369196 (VCV003369196.1).
Genomic context (GRCh38, chr16:2,114,295, plus strand): 5'-CCTCCGCCGTCACCCGCAGGCTGAGGTTGGCCCGGCTGGCGCTGTTTTCCACCACCACGT[CCACCACGTG>C]CTCCCCCTCACTGAGCCACGGCAGTGCTACCACTGAGAACAGGGTATCGTTGGTCTCCCA-3'